The following is an entry in ClinVar:

ClinVar aggregate classification (germline): Uncertain significance (1 of 4 stars; one submission).

Conditions:
Intellectual disability, autosomal dominant 14 (CSS2). Also called: COFFIN-SIRIS SYNDROME 2. Identifiers: Orphanet 1465, MedGen C3553247, MONDO:0013819, OMIM 614607.

Allele frequency attached by ClinVar (database versions not stated): gnomAD exomes below 0.00001; TOPMed 0.00001.
gnomAD v4.1: 4 of 1,614,140 alleles (0.00025%); highest among the groups gnomAD compares: East Asian, 0.0022%; no homozygotes.

Submission:

Dr. med. U. Finckh, Human Genetics, Eurofins MVZ
Classification: Uncertain significance for Intellectual disability, autosomal dominant 14. Last evaluated: 2023-01-01. Review status: criteria provided, single submitter. Criteria: ACMG Guidelines, 2015. Collection method: clinical testing. Allele origin: paternal.
Comment: Also seen once in gnomAD.

NM_006015.6(ARID1A):c.4868C>T (p.Ser1623Leu)

Gene: ARID1A (AT-rich interaction domain 1A; plus strand). Cytogenetic location: 1p36.11.
Variant type: single nucleotide variant.
Coding change: c.4868C>T on transcript NM_006015.6 (MANE Select); coding-DNA position 4868, C replaced by T.
Protein change: p.Ser1623Leu; replaces serine 1623 with leucine.
Molecular consequence: missense variant.
Genome position (GRCh38, 1-based): chr1:26,775,095, C>T. VCF-style: chr1-26775095-C-T. GRCh37 (hg19) VCF-style: chr1-27101586-C-T.
Other names: c.4217C>T, p.Ser1406Leu (NM_139135.4); short protein forms S1406L, S1623L.
Identifiers: ClinVar variation 2505539 (VCV002505539.1), dbSNP rs1420328983, ClinGen allele CA339178974.